The following is an entry in ClinVar:

ClinVar aggregate classification (germline): Uncertain significance (1 of 4 stars; one submission).

Submission:

Labcorp Genetics (formerly Invitae), Labcorp
Classification: Uncertain significance. Last evaluated: 2021-10-22. Review status: criteria provided, single submitter. Criteria: Invitae Variant Classification Sherloc (09022015). Collection method: clinical testing. Allele origin: germline.
Comment: In summary, the available evidence is currently insufficient to determine the role of this variant in disease. Therefore, it has been classified as a Variant of Uncertain Significance. Variants that disrupt the consensus splice site are a relatively common cause of aberrant splicing (PMID: 17576681, 9536098). Algorithms developed to predict the effect of sequence changes on RNA splicing suggest that this variant may disrupt the consensus splice site. This variant has not been reported in the literature in individuals affected with COL9A3-related conditions. This variant is not present in population databases (gnomAD no frequency). This sequence change falls in intron 13 of the COL9A3 gene. It does not directly change the encoded amino acid sequence of the COL9A3 protein. It affects a nucleotide within the consensus splice site.

Literature cited by the submitters: PubMed 17576681; PubMed 9536098.

NM_001853.4(COL9A3):c.684+5G>C

Gene: COL9A3 (collagen type IX alpha 3 chain; plus strand). Cytogenetic location: 20q13.33.
Variant type: single nucleotide variant.
Coding change: c.684+5G>C on transcript NM_001853.4 (MANE Select); 5 bases into the intron after coding-DNA position 684, G replaced by C.
Molecular consequence: intron variant.
Genome position (GRCh38, 1-based): chr20:62,825,875, G>C. VCF-style: chr20-62825875-G-C. GRCh37 (hg19) VCF-style: chr20-61457227-G-C.
Identifiers: ClinVar variation 1388718 (VCV001388718.6), dbSNP rs2147208810, ClinGen allele CA2573157275.
Genomic context (GRCh38, chr20:62,825,875, plus strand): 5'-AGGGTGACCCTGGCCCCCCTGGGCCCGCCGGCCTCCCGGGCAGCGTGGGGCTGCAGGTGA[G>C]GCTAGGAAGGGGTAAGGATGGTGGGATGGGAACTCAGCCCACAGAGTGATCAAGCCCTGC-3'